The following is an entry in ClinVar:

ClinVar aggregate classification (germline): Uncertain significance (1 of 4 stars; one submission).

Allele frequency attached by ClinVar (database versions not stated): gnomAD exomes below 0.00001.
gnomAD v4.1: 11 of 1,610,308 alleles (0.00068%); highest among the groups gnomAD compares: Admixed American, 0.0033%; no homozygotes.

Submission:

Labcorp Genetics (formerly Invitae), Labcorp
Classification: Uncertain significance. Last evaluated: 2021-12-09. Review status: criteria provided, single submitter. Criteria: Invitae Variant Classification Sherloc (09022015). Collection method: clinical testing. Allele origin: germline.
Comment: In summary, the available evidence is currently insufficient to determine the role of this variant in disease. Therefore, it has been classified as a Variant of Uncertain Significance. Variants that disrupt the consensus splice site are a relatively common cause of aberrant splicing (PMID: 17576681, 9536098). Algorithms developed to predict the effect of sequence changes on RNA splicing suggest that this variant may disrupt the consensus splice site. This variant has not been reported in the literature in individuals affected with GSN-related conditions. This variant is present in population databases (no rsID available, gnomAD no frequency). This sequence change falls in intron 9 of the GSN gene. It does not directly change the encoded amino acid sequence of the GSN protein. It affects a nucleotide within the consensus splice site.

Literature cited by the submitters: PubMed 17576681; PubMed 9536098.

NM_198252.3(GSN):c.1191+5G>A

Gene: GSN (gelsolin; plus strand). Cytogenetic location: 9q33.2.
Variant type: single nucleotide variant.
Coding change: c.1191+5G>A on transcript NM_198252.3 (MANE Select); 5 bases into the intron after coding-DNA position 1191, G replaced by A.
Molecular consequence: intron variant.
Genome position (GRCh38, 1-based): chr9:121,318,885, G>A. VCF-style: chr9-121318885-G-A. GRCh37 (hg19) VCF-style: chr9-124081163-G-A.
Other names: c.1191+5G>A (NM_001353054.1, NM_001353053.1, NM_001353060.2 and 10 more transcripts); c.1224+5G>A (NM_001353064.2, NM_001353066.2, NM_001353073.2 and 13 more transcripts); c.1299+5G>A (NM_001127663.2); c.1263+5G>A (NM_001353076.2); c.537+5G>A (NM_001353078.2); c.1242+5G>A (NM_001258029.2); c.1215+5G>A (NM_001258030.2); c.1344+5G>A (NM_000177.5).
Identifiers: ClinVar variation 1501274 (VCV001501274.6), dbSNP rs1393577480, ClinGen allele CA590502668.